The following is an entry in ClinVar:

NM_014336.5(AIPL1):c.1100C>T (p.Pro367Leu)

Gene: AIPL1 (AIP like 1 HSP90 co-chaperone; minus strand). Cytogenetic location: 17p13.2.
Variant type: single nucleotide variant.
Coding change: c.1100C>T on transcript NM_014336.5 (MANE Select); coding-DNA position 1100, C replaced by T.
Protein change: p.Pro367Leu; replaces proline 367 with leucine.
Molecular consequence: missense variant. On other transcripts: 3 prime UTR variant (1).
Genome position (GRCh38, 1-based): chr17:6,425,515, G>A on the plus strand (C>T on the coding strand, the complement: AIPL1 is on the minus strand). VCF-style: chr17-6425515-G-A. GRCh37 (hg19) VCF-style: chr17-6328835-G-A.
Other names: c.911C>T, p.Pro304Leu (NM_001033054.3); c.920C>T, p.Pro307Leu (NM_001033055.3); c.1064C>T, p.Pro355Leu (NM_001285399.3); c.1034C>T, p.Pro345Leu (NM_001285400.3); c.1028C>T, p.Pro343Leu (NM_001285401.3); c.983C>T, p.Pro328Leu (NM_001285402.2); c.*1071C>T (NM_001285403.4); short protein forms P304L, P307L, P328L, P343L, P345L, P355L, P367L.
Identifiers: ClinVar variation 1020214 (VCV001020214.9), dbSNP rs1911827159, ClinGen allele CA397394264.
Genomic context (GRCh38, chr17:6,425,515, plus strand): 5'-GGGGCTCAGTGCTGCAGCGAGTGCCCTGGGGACGGGGGTGGCTCTGTGGCTGGCTCTGCA[G>A]GGGGCCCTGCGGACAGCTCTGCAGATGGTGCTGTGGGTGGCTCTGCAGGTGGCTCTGTGG-3'
Protein context (NP_055151.3, residues 357-377): APSAELSAGP[Pro367Leu]AEPATEPPPS

ClinVar aggregate classification (germline): Uncertain significance (1 of 4 stars; one submission).

Conditions:
Leber congenital amaurosis 4 (LCA4). Identifiers: MedGen C1858386, MONDO:0011458, OMIM 604393.

gnomAD v4.1: 2 of 1,610,428 alleles (0.00012%); highest among the groups gnomAD compares: Non-Finnish European, 0.00017%; no homozygotes.

Submission:

Labcorp Genetics (formerly Invitae), Labcorp
Classification: Uncertain significance for Leber congenital amaurosis 4. Last evaluated: 2025-05-16. Review status: criteria provided, single submitter. Criteria: Invitae Variant Classification Sherloc (09022015). Collection method: clinical testing. Allele origin: germline.
Comment: This sequence change replaces proline, which is neutral and non-polar, with leucine, which is neutral and non-polar, at codon 367 of the AIPL1 protein (p.Pro367Leu). This variant is not present in population databases (gnomAD no frequency). This variant has not been reported in the literature in individuals affected with AIPL1-related conditions. ClinVar contains an entry for this variant (Variation ID: 1020214). Invitae Evidence Modeling of protein sequence and biophysical properties (such as structural, functional, and spatial information, amino acid conservation, physicochemical variation, residue mobility, and thermodynamic stability) indicates that this missense variant is not expected to disrupt AIPL1 protein function with a negative predictive value of 95%. In summary, the available evidence is currently insufficient to determine the role of this variant in disease. Therefore, it has been classified as a Variant of Uncertain Significance.